The following is an entry in ClinVar:

NM_000512.5(GALNS):c.704C>A (p.Thr235Lys)

Gene: GALNS (galactosamine (N-acetyl)-6-sulfatase; minus strand). Cytogenetic location: 16q24.3.
Variant type: single nucleotide variant.
Coding change: c.704C>A on transcript NM_000512.5 (MANE Select); coding-DNA position 704, C replaced by A.
Protein change: p.Thr235Lys; replaces threonine 235 with lysine.
Molecular consequence: missense variant.
Genome position (GRCh38, 1-based): chr16:88,835,779, G>T on the plus strand (C>A on the coding strand, the complement: GALNS is on the minus strand). VCF-style: chr16-88835779-G-T. GRCh37 (hg19) VCF-style: chr16-88902187-G-T.
Other names: c.149C>A, p.Thr50Lys (NM_001323543.2); c.722C>A, p.Thr241Lys (NM_001323544.2); short protein forms T235K, T241K, T50K.
Identifiers: ClinVar variation 93184 (VCV000093184.45), dbSNP rs398123440, ClinGen allele CA221060.

ClinVar aggregate classification (germline): Pathogenic/Likely pathogenic. Review status: criteria provided, multiple submitters, no conflicts (2 of 4 stars). 4 submissions from 4 submitters: Pathogenic (1); Likely pathogenic (3). Last evaluated 2023-03-18.

Conditions:
Mucopolysaccharidosis, MPS-IV-A (MPS4A). Also called: MPS IVA; Mucopolysaccharidosis Type IVA; Morquio syndrome A, mild; MORQUIO A DISEASE; mucopolysaccharidosis type 4A; Mucopolysaccharidosis type IV A. Identifiers: Orphanet 309297, Orphanet 582, MedGen C0086651, MONDO:0009659, OMIM 253000.

Allele frequency attached by ClinVar (database versions not stated): TOPMed 0.00001.
gnomAD v4.1: 3 of 1,614,146 alleles (0.00019%); highest among the groups gnomAD compares: Non-Finnish European, 0.00025%; no homozygotes.

Submissions (4):

Labcorp Genetics (formerly Invitae), Labcorp
Classification: Pathogenic for Mucopolysaccharidosis, MPS-IV-A. Last evaluated: 2023-03-18. Review status: criteria provided, single submitter. Criteria: Invitae Variant Classification Sherloc (09022015). Collection method: clinical testing. Allele origin: germline.
Comment: For these reasons, this variant has been classified as Pathogenic. Advanced modeling of protein sequence and biophysical properties (such as structural, functional, and spatial information, amino acid conservation, physicochemical variation, residue mobility, and thermodynamic stability) performed at Invitae indicates that this missense variant is expected to disrupt GALNS protein function. ClinVar contains an entry for this variant (Variation ID: 93184). This missense change has been observed in individual(s) with clinical features of mucopolysaccharidosis IVA (PMID: 24726177, 32993725, 34387910). This variant is present in population databases (rs398123440, gnomAD 0.0009%). This sequence change replaces threonine, which is neutral and polar, with lysine, which is basic and polar, at codon 235 of the GALNS protein (p.Thr235Lys).

CeGaT Center for Human Genetics Tuebingen
Classification: Likely pathogenic. Last evaluated: 2022-01-01. Review status: criteria provided, single submitter. Criteria: CeGaT Center For Human Genetics Tuebingen Variant Classification Criteria Version 2. Collection method: clinical testing. Allele origin: germline. Affected: yes. Observed: 1 variant allele.

Laboratory of Diagnosis and Therapy of Lysosomal Disorders, University of Padova
Classification: Likely pathogenic for Mucopolysaccharidosis, MPS-IV-A. Last evaluated: 2021-02-01. Review status: criteria provided, single submitter. Criteria: ACMG Guidelines, 2015. Collection method: research. Allele origin: germline. Affected: yes.
Comment: The prevalence of the variant in affected individuals is significantly increased compared with the prevalence in controls (PS4_strong); very low frequency in gnomAD v2.1.1 (PM2_moderate); multiple lines of computational evidence support a deleterious effect on the gene (PP3_supporting)

Eurofins Ntd Llc (ga)
Classification: Likely pathogenic. Last evaluated: 2013-01-30. Review status: criteria provided, single submitter. Criteria: EGL Classification Definitions. Collection method: clinical testing. Allele origin: germline. Observed: 3 variant alleles, 3 heterozygotes.

Literature cited by the submitters: PubMed 24726177 (cited by Labcorp Genetics (formerly Invitae), Labcorp and Laboratory of Diagnosis and Therapy of Lysosomal Disorders, University of Padova); PubMed 32993725 (cited by Labcorp Genetics (formerly Invitae), Labcorp and Laboratory of Diagnosis and Therapy of Lysosomal Disorders, University of Padova); PubMed 34387910 (cited by Labcorp Genetics (formerly Invitae), Labcorp and Laboratory of Diagnosis and Therapy of Lysosomal Disorders, University of Padova).